The following is an entry in ClinVar:

NM_015046.7(SETX):c.2003A>G (p.Asn668Ser)

Gene: SETX (senataxin; minus strand). Cytogenetic location: 9q34.13.
Variant type: single nucleotide variant.
Coding change: c.2003A>G on transcript NM_015046.7 (MANE Select); coding-DNA position 2003, A replaced by G.
Protein change: p.Asn668Ser; replaces asparagine 668 with serine.
Molecular consequence: missense variant.
Genome position (GRCh38, 1-based): chr9:132,329,595, T>C on the plus strand (A>G on the coding strand, the complement: SETX is on the minus strand). VCF-style: chr9-132329595-T-C. GRCh37 (hg19) VCF-style: chr9-135204982-T-C.
Other names: c.2003A>G, p.Asn668Ser (NM_001351527.2, NM_001351528.2); short protein forms N668S.
Identifiers: ClinVar variation 365368 (VCV000365368.19), dbSNP rs780898043, ClinGen allele CA5297681.
Genomic context (GRCh38, chr9:132,329,595, plus strand): 5'-CATGACCCAGCTAAGAGATGGTCCTCTAGTTTCACATCCTTTATATAATTTTGCTCATTA[T>C]TGTCACCTTCTATAGTGTTATCTGCTTTGATCAATACACTGTCTTGCACTTTCATTGGTT-3'
Protein context (NP_055861.3, residues 658-678): IKADNTIEGD[Asn668Ser]NEQNYIKDVK

ClinVar aggregate classification (germline): Conflicting classifications of pathogenicity. Review status: criteria provided, conflicting classifications (1 of 4 stars). 8 submissions from 6 submitters: Uncertain significance (6); Benign (1); Likely benign (1). Last evaluated 2025-11-23.

Conditions:
Amyotrophic lateral sclerosis type 4 (ALS4). Also called: NEURONOPATHY, DISTAL HEREDITARY MOTOR, WITH PYRAMIDAL FEATURES; AMYOTROPHIC LATERAL SCLEROSIS 4, JUVENILE. Identifiers: Orphanet 357043, MedGen C1865409, MONDO:0011223, OMIM 602433.
Spinocerebellar ataxia, autosomal recessive, with axonal neuropathy 2 (SCAN2). Also called: Ataxia with Oculomotor Apraxia; ATAXIA-OCULOMOTOR APRAXIA 2; Ataxia-ocular apraxia-2; Ataxia with Oculomotor Apraxia Type 2. Identifiers: Orphanet 64753, MedGen C1853761, MONDO:0018996, OMIM 606002.
Cone-rod dystrophy. Also called: Cone-rod degeneration; Cone/cone-rod dystrophy. Identifiers: Orphanet 1872, MedGen C4085590, MONDO:0015993, HP:0000548.
Inborn genetic diseases. Identifiers: MedGen C0950123, MeSH D030342.

Allele frequency attached by ClinVar (database versions not stated): gnomAD 0.00001; TOPMed 0.00001; ExAC 0.00004; gnomAD exomes 0.00004.
gnomAD v4.1: 63 of 1,613,752 alleles (0.0039%); highest among the groups gnomAD compares: Middle Eastern, 0.016%; no homozygotes.

Submissions (8):

Labcorp Genetics (formerly Invitae), Labcorp
Classification: Benign for Amyotrophic lateral sclerosis type 4; Spinocerebellar ataxia, autosomal recessive, with axonal neuropathy 2. Last evaluated: 2025-11-23. Review status: criteria provided, single submitter. Criteria: Invitae Variant Classification Sherloc (09022015). Collection method: clinical testing. Allele origin: germline.

Ambry Genetics
Classification: Uncertain significance for Inborn genetic diseases. Last evaluated: 2025-08-25. Review status: criteria provided, single submitter. Criteria: Ambry Variant Classification Scheme 2023. Collection method: clinical testing. Allele origin: germline.

Women's Health and Genetics/Laboratory Corporation of America, LabCorp
Classification: Uncertain significance. Last evaluated: 2024-05-02. Review status: criteria provided, single submitter. Criteria: LabCorp Variant Classification Summary - May 2015. Collection method: clinical testing. Allele origin: germline.
Comment: Variant summary: SETX c.2003A>G (p.Asn668Ser) results in a conservative amino acid change in the encoded protein sequence. Five of five in-silico tools predict a benign effect of the variant on protein function. The variant allele was found at a frequency of 3.6e-05 in 250806 control chromosomes (gnomAD). The available data on variant occurrences in the general population are insufficient to allow any conclusion about variant significance. To our knowledge, no occurrence of c.2003A>G in individuals affected with Amyotrophic Lateral Sclerosis Type 4 and no experimental evidence demonstrating its impact on protein function have been reported. ClinVar contains an entry for this variant (Variation ID: 365368). Based on the evidence outlined above, the variant was classified as uncertain significance.

Genome-Nilou Lab
Classification: Uncertain significance for Spinocerebellar ataxia, autosomal recessive, with axonal neuropathy 2. Last evaluated: 2023-02-08. Review status: criteria provided, single submitter. Criteria: ACMG Guidelines, 2015. Collection method: clinical testing. Allele origin: germline.

Genome-Nilou Lab
Classification: Uncertain significance for Amyotrophic lateral sclerosis type 4. Last evaluated: 2023-02-08. Review status: criteria provided, single submitter. Criteria: ACMG Guidelines, 2015. Collection method: clinical testing. Allele origin: germline.

Cambridge Genomics Laboratory, East Genomic Laboratory Hub, NHS Genomic Medicine Service
Classification: Likely benign for Cone-rod dystrophy. Last evaluated: 2020-03-27. Review status: criteria provided, single submitter. Criteria: ACGS Best Practice Guidelines for Variant Classification in Rare Disease 2020. Collection method: clinical testing. Allele origin: germline. Affected: yes. Observed: 1 variant allele.

Illumina Laboratory Services, Illumina
Classification: Uncertain significance for Spinocerebellar ataxia, autosomal recessive, with axonal neuropathy 2. Last evaluated: 2018-01-13. Review status: criteria provided, single submitter. Criteria: ICSL Variant Classification Criteria 13 December 2019. Collection method: clinical testing. Allele origin: germline.

Illumina Laboratory Services, Illumina
Classification: Uncertain significance for Amyotrophic lateral sclerosis type 4. Last evaluated: 2018-01-13. Review status: criteria provided, single submitter. Criteria: ICSL Variant Classification Criteria 13 December 2019. Collection method: clinical testing. Allele origin: germline.